The following is an entry in ClinVar:

NM_014946.4(SPAST):c.163T>C (p.Tyr55His)

Gene: SPAST (spastin; plus strand). Cytogenetic location: 2p22.3.
Variant type: single nucleotide variant.
Coding change: c.163T>C on transcript NM_014946.4 (MANE Select); coding-DNA position 163, T replaced by C.
Protein change: p.Tyr55His; replaces tyrosine 55 with histidine.
Molecular consequence: missense variant.
Genome position (GRCh38, 1-based): chr2:32,063,994, T>C. VCF-style: chr2-32063994-T-C. GRCh37 (hg19) VCF-style: chr2-32289063-T-C.
Other names: c.163T>C, p.Tyr55His (NM_199436.2, NM_001363823.2, NM_001363875.2 and 1 more transcripts); short protein forms Y55H.
Identifiers: ClinVar variation 3321840 (VCV003321840.3).

ClinVar aggregate classification (germline): Uncertain significance. Review status: criteria provided, multiple submitters, no conflicts (2 of 4 stars). 2 submissions from 2 submitters: Uncertain significance (2). Last evaluated 2024-12-05.

Conditions:
Inborn genetic diseases. Identifiers: MedGen C0950123, MeSH D030342.
Hereditary spastic paraplegia 4. Also called: Spastic Paraplegia 4; Spastic paraplegia 4, autosomal dominant; Familial spastic paraplegia autosomal dominant 2. Identifiers: Orphanet 100985, MedGen C1866855, MONDO:0008438, OMIM 182601.

gnomAD v4.1: 2 of 1,612,966 alleles (0.00012%); highest among the groups gnomAD compares: South Asian, 0.0022%; no homozygotes.

Submissions (2):

Labcorp Genetics (formerly Invitae), Labcorp
Classification: Uncertain significance for Hereditary spastic paraplegia 4. Last evaluated: 2024-12-05. Review status: criteria provided, single submitter. Criteria: Invitae Variant Classification Sherloc (09022015). Collection method: clinical testing. Allele origin: germline.
Comment: This sequence change replaces tyrosine, which is neutral and polar, with histidine, which is basic and polar, at codon 55 of the SPAST protein (p.Tyr55His). This variant is not present in population databases (gnomAD no frequency). This variant has not been reported in the literature in individuals affected with SPAST-related conditions. Invitae Evidence Modeling of protein sequence and biophysical properties (such as structural, functional, and spatial information, amino acid conservation, physicochemical variation, residue mobility, and thermodynamic stability) indicates that this missense variant is expected to disrupt SPAST protein function with a positive predictive value of 80%. In summary, the available evidence is currently insufficient to determine the role of this variant in disease. Therefore, it has been classified as a Variant of Uncertain Significance.

Ambry Genetics
Classification: Uncertain significance for Inborn genetic diseases. Last evaluated: 2024-04-09. Review status: criteria provided, single submitter. Criteria: Ambry Variant Classification Scheme 2023. Collection method: clinical testing. Allele origin: germline.